The following is an entry in ClinVar:

NM_000038.6(APC):c.1751C>T (p.Thr584Ile)

Gene: APC (APC regulator of Wnt signaling pathway; plus strand). Cytogenetic location: 5q22.2.
Variant type: single nucleotide variant.
Coding change: c.1751C>T on transcript NM_000038.6 (MANE Select); coding-DNA position 1751, C replaced by T.
Protein change: p.Thr584Ile; replaces threonine 584 with isoleucine.
Molecular consequence: missense variant. On other transcripts: non-coding transcript variant (2).
Genome position (GRCh38, 1-based): chr5:112,834,958, C>T. VCF-style: chr5-112834958-C-T. GRCh37 (hg19) VCF-style: chr5-112170655-C-T.
Other names: c.1697C>T, p.Thr566Ile (NM_001127511.3); c.1751C>T, p.Thr584Ile (NM_001354895.2, NM_001127510.3, NM_001407450.1); c.1805C>T, p.Thr602Ile (NM_001354896.2, NM_001407447.1, NM_001407448.1 and 1 more transcripts); c.1781C>T, p.Thr594Ile (NM_001354897.2); c.1676C>T, p.Thr559Ile (NM_001354898.2); c.1448C>T, p.Thr483Ile (NM_001354903.2, NM_001407458.1, NM_001407459.1 and 1 more transcripts); c.1667C>T, p.Thr556Ile (NM_001354899.2); c.1478C>T, p.Thr493Ile (NM_001354902.2); and 11 more; short protein forms T301I, T458I, T525I, T543I, T559I, T566I, T584I, T424I.
Identifiers: ClinVar variation 3882037 (VCV003882037.2).

ClinVar aggregate classification (germline): Uncertain significance. Review status: criteria provided, multiple submitters, no conflicts (2 of 4 stars). 2 submissions from 2 submitters: Uncertain significance (2). Last evaluated 2025-08-24.

Conditions:
Hereditary cancer-predisposing syndrome. Also called: Tumor predisposition; Neoplastic Syndromes, Hereditary; Hereditary Cancer Syndrome; Hereditary neoplastic syndrome. Identifiers: Orphanet 140162, MedGen C0027672, MeSH D009386, MONDO:0015356.
Familial adenomatous polyposis 1 (FAP1). Also called: POLYPOSIS, ADENOMATOUS INTESTINAL; FAMILIAL ADENOMATOUS POLYPOSIS 1, ATTENUATED. Identifiers: MedGen C2713442, MONDO:0021056, OMIM 175100. Disease mechanism: loss of function.

Submissions (2):

Labcorp Genetics (formerly Invitae), Labcorp
Classification: Uncertain significance for Familial adenomatous polyposis 1. Last evaluated: 2025-08-24. Review status: criteria provided, single submitter. Criteria: Invitae Variant Classification Sherloc (09022015). Collection method: clinical testing. Allele origin: germline.
Comment: This sequence change replaces threonine, which is neutral and polar, with isoleucine, which is neutral and non-polar, at codon 584 of the APC protein (p.Thr584Ile). This variant is not present in population databases (gnomAD no frequency). This variant has not been reported in the literature in individuals affected with APC-related conditions. ClinVar contains an entry for this variant (Variation ID: 3882037). Invitae Evidence Modeling of protein sequence and biophysical properties (such as structural, functional, and spatial information, amino acid conservation, physicochemical variation, residue mobility, and thermodynamic stability) indicates that this missense variant is not expected to disrupt APC protein function with a negative predictive value of 95%. In summary, the available evidence is currently insufficient to determine the role of this variant in disease. Therefore, it has been classified as a Variant of Uncertain Significance.

Ambry Genetics
Classification: Uncertain significance for Hereditary cancer-predisposing syndrome. Last evaluated: 2025-01-27. Review status: criteria provided, single submitter. Criteria: Ambry Variant Classification Scheme 2023. Collection method: clinical testing. Allele origin: germline.
Comment: The p.T584I variant (also known as c.1751C>T), located in coding exon 14 of the APC gene, results from a C to T substitution at nucleotide position 1751. The threonine at codon 584 is replaced by isoleucine, an amino acid with similar properties. This amino acid position is conserved. In addition, in silico predictors for this gene do not accurately predict pathogenicity. Based on the available evidence, the clinical significance of this variant remains unclear.